The following is an entry in ClinVar:

ClinVar aggregate classification (germline): Pathogenic (1 of 4 stars; one submission).

Submission:

Labcorp Genetics (formerly Invitae), Labcorp
Classification: Pathogenic. Last evaluated: 2024-05-23. Review status: criteria provided, single submitter. Criteria: Invitae Variant Classification Sherloc (09022015). Collection method: clinical testing. Allele origin: germline.
Comment: This sequence change creates a premature translational stop signal (p.Gly1197Alafs*51) in the COL18A1 gene. It is expected to result in an absent or disrupted protein product. Loss-of-function variants in COL18A1 are known to be pathogenic (PMID: 12415512, 25456301). This variant is not present in population databases (gnomAD no frequency). This variant has not been reported in the literature in individuals affected with COL18A1-related conditions. For these reasons, this variant has been classified as Pathogenic.

Literature cited by the submitters: PubMed 12415512; PubMed 25456301.

NM_001379500.1(COL18A1):c.3599del (p.Gly1200fs)

Genes: COL18A1 (collagen type XVIII alpha 1 chain; plus strand), SLC19A1 (solute carrier family 19 member 1; minus strand). Cytogenetic location: 21q22.3.
Variant type: Deletion.
Coding change: c.3599del on transcript NM_001379500.1 (MANE Select); coding-DNA position 3599, one base deleted (G; older notation c.3599delG).
Protein change: p.Gly1200fs; shifts the reading frame from glycine 1200.
Molecular consequence: frameshift variant.
Genome position (GRCh38, 1-based): chr21:45,510,167, G deleted; the last of 3 consecutive G bases (chr21:45,510,165-45,510,167); deleting any one gives the same sequence. VCF-style (leftmost placement, unchanged base first): chr21-45510164-CG-C. GRCh37 (hg19) VCF-style: chr21-46930078-CG-C.
Other names: c.4130del, p.Gly1377fs (NM_030582.4); c.4835del, p.Gly1612fs (NM_130444.3); short protein forms G1377fs, G1200fs, G1612fs.
Identifiers: ClinVar variation 2816213 (VCV002816213.3), dbSNP rs2517856761, ClinGen allele CA2739267725.